The following is an entry in ClinVar:

ClinVar aggregate classification (germline): Likely benign (1 of 4 stars; one submission).

Conditions:
HRG-related disorder. Also called: HRG-related condition.

gnomAD v4.1: 433 of 1,612,018 alleles (0.027%); highest among the groups gnomAD compares: Non-Finnish European, 0.028%; no homozygotes.

Submission:

PreventionGenetics, part of Exact Sciences
Classification: Likely benign for HRG-related condition. Last evaluated: 2025-07-30. Review status: criteria provided, single submitter. Criteria: ACMG Guidelines, 2015. Collection method: clinical testing. Allele origin: germline.
Comment: This variant is classified as likely benign based on ACMG/AMP sequence variant interpretation guidelines (Richards et al. 2015 PMID: 25741868, with internal and published modifications).

NM_000412.5(HRG):c.601C>T (p.Arg201Trp)

Gene: HRG (histidine rich glycoprotein; plus strand). Cytogenetic location: 3q27.3.
Variant type: single nucleotide variant.
Coding change: c.601C>T on transcript NM_000412.5 (MANE Select); coding-DNA position 601, C replaced by T.
Protein change: p.Arg201Trp; replaces arginine 201 with tryptophan.
Molecular consequence: missense variant.
Genome position (GRCh38, 1-based): chr3:186,672,829, C>T. VCF-style: chr3-186672829-C-T. GRCh37 (hg19) VCF-style: chr3-186390618-C-T.
Other names: short protein forms R201W.
Identifiers: ClinVar variation 4981291 (VCV004981291.1).